The following is an entry in ClinVar:

NM_001482.3(GATM):c.61G>A (p.Gly21Arg)

Genes: GATM (glycine amidinotransferase; minus strand), LOC130056991 (ATAC-STARR-seq lymphoblastoid silent region 6406; plus strand). Cytogenetic location: 15q21.1.
Variant type: single nucleotide variant.
Coding change: c.61G>A on transcript NM_001482.3 (MANE Select); coding-DNA position 61, G replaced by A.
Protein change: p.Gly21Arg; replaces glycine 21 with arginine.
Molecular consequence: missense variant. On other transcripts: intron variant (1).
Genome position (GRCh38, 1-based): chr15:45,378,393, C>T on the plus strand (G>A on the coding strand, the complement: GATM is on the minus strand). VCF-style: chr15-45378393-C-T. GRCh37 (hg19) VCF-style: chr15-45670591-C-T.
Other names: c.-318-1574G>A (NM_001321015.2); short protein forms G21R.
Identifiers: ClinVar variation 1349852 (VCV001349852.9), dbSNP rs903485357, ClinGen allele CA270174341.

ClinVar aggregate classification (germline): Uncertain significance. Review status: criteria provided, multiple submitters, no conflicts (2 of 4 stars). 2 submissions from 2 submitters: Uncertain significance (2). Last evaluated 2024-05-04.

Conditions:
Arginine:glycine amidinotransferase deficiency (CCDS3). Also called: AGAT deficiency; L-Arginine:Glycine Amidinotransferase Deficiency; L-Arginine:Glycine Amidinotransferase (AGAT) Deficiency; Cerebral creatine deficiency syndrome 3; Creatine deficiency syndrome due to AGAT deficiency; GATM deficiency. Identifiers: Orphanet 35704, MedGen C2675179, MONDO:0012996, OMIM 612718.
Fanconi renotubular syndrome 1. Also called: FRTS1; LUDER-SHELDON SYNDROME; Toni-Debre-Fanconi syndrome; Neonatal De Toni-Debre-Fanconi syndrome; De Toni-Fanconi syndrome. Identifiers: MedGen C4551503, MONDO:0024525, OMIM 134600.

Allele frequency attached by ClinVar (database versions not stated): gnomAD exomes 0.00001; TOPMed 0.00003; gnomAD 0.00004 and 0.00005.

Submissions (2):

Fulgent Genetics
Classification: Uncertain significance for Fanconi renotubular syndrome 1; Arginine:glycine amidinotransferase deficiency. Last evaluated: 2024-05-04. Review status: criteria provided, single submitter. Criteria: ACMG Guidelines, 2015. Collection method: clinical testing. Allele origin: germline.

Labcorp Genetics (formerly Invitae), Labcorp
Classification: Uncertain significance for Arginine:glycine amidinotransferase deficiency. Last evaluated: 2021-01-14. Review status: criteria provided, single submitter. Criteria: Invitae Variant Classification Sherloc (09022015). Collection method: clinical testing. Allele origin: germline.
Comment: In summary, the available evidence is currently insufficient to determine the role of this variant in disease. Therefore, it has been classified as a Variant of Uncertain Significance. This sequence change replaces glycine with arginine at codon 21 of the GATM protein (p.Gly21Arg). The glycine residue is highly conserved and there is a moderate physicochemical difference between glycine and arginine. The frequency data for this variant in the population databases is considered unreliable, as metrics indicate insufficient coverage at this position in the ExAC database. This variant has not been reported in the literature in individuals with GATM-related conditions. Algorithms developed to predict the effect of missense changes on protein structure and function are either unavailable or do not agree on the potential impact of this missense change (SIFT: "Deleterious"; PolyPhen-2: "Benign"; Align-GVGD: "Class C0").